The following is an entry in ClinVar:

ClinVar aggregate classification (germline): Uncertain significance. Review status: criteria provided, multiple submitters, no conflicts (2 of 4 stars). 2 submissions from 2 submitters: Uncertain significance (2). Last evaluated 2025-05-01.

Allele frequency attached by ClinVar (database versions not stated): ExAC 0.00001; TOPMed 0.00003.
gnomAD v4.1: 21 of 1,612,732 alleles (0.0013%); highest among the groups gnomAD compares: South Asian, 0.0033%; no homozygotes.

Submissions (2):

Ambry Genetics
Classification: Uncertain significance. Last evaluated: 2025-05-01. Review status: criteria provided, single submitter. Criteria: Ambry Variant Classification Scheme 2023. Collection method: clinical testing. Allele origin: germline.

Labcorp Genetics (formerly Invitae), Labcorp
Classification: Uncertain significance. Last evaluated: 2021-12-21. Review status: criteria provided, single submitter. Criteria: Invitae Variant Classification Sherloc (09022015). Collection method: clinical testing. Allele origin: germline.
Comment: In summary, the available evidence is currently insufficient to determine the role of this variant in disease. Therefore, it has been classified as a Variant of Uncertain Significance. Algorithms developed to predict the effect of missense changes on protein structure and function are either unavailable or do not agree on the potential impact of this missense change (SIFT: "Deleterious"; PolyPhen-2: "Probably Damaging"; Align-GVGD: "Class C0"). This variant has not been reported in the literature in individuals affected with KANK2-related conditions. This variant is present in population databases (rs768289917, gnomAD 0.006%). This sequence change replaces arginine, which is basic and polar, with histidine, which is basic and polar, at codon 105 of the KANK2 protein (p.Arg105His).

NM_001136191.3(KANK2):c.314G>A (p.Arg105His)

Gene: KANK2 (KN motif and ankyrin repeat domains 2; minus strand). Cytogenetic location: 19p13.2.
Variant type: single nucleotide variant.
Coding change: c.314G>A on transcript NM_001136191.3 (MANE Select); coding-DNA position 314, G replaced by A.
Protein change: p.Arg105His; replaces arginine 105 with histidine.
Molecular consequence: missense variant.
Genome position (GRCh38, 1-based): chr19:11,193,766, C>T on the plus strand (G>A on the coding strand, the complement: KANK2 is on the minus strand). VCF-style: chr19-11193766-C-T. GRCh37 (hg19) VCF-style: chr19-11304442-C-T.
Other names: c.314G>A (NM_015493.6); c.314G>A, p.Arg105His (NM_001329451.2, NM_001379548.1, NM_001379549.1 and 15 more transcripts); short protein forms R105H.
Identifiers: ClinVar variation 2427838 (VCV002427838.7), dbSNP rs768289917, ClinGen allele CA9206104.